The following is an entry in ClinVar:

ClinVar aggregate classification (germline): Likely benign. Review status: criteria provided, multiple submitters, no conflicts (2 of 4 stars). 4 submissions from 4 submitters: Likely benign (4). Last evaluated 2025-10-27.

Conditions:
Familial thoracic aortic aneurysm and aortic dissection (TAAD). Also called: Thoracic aortic aneurysms and dissections. Identifiers: Orphanet 91387, MedGen C4707243, MONDO:0019625.
Marfan syndrome (MFS). Also called: MARFAN SYNDROME, TYPE I; FBN1-Related Marfan Syndrome; Marfan syndrome type 1; Marfan's syndrome; Marfan syndrome, classic. Identifiers: Orphanet 284963, Orphanet 558, MedGen C0024796, MONDO:0007947, OMIM 154700.

Allele frequency attached by ClinVar (database versions not stated): gnomAD exomes 0.00002 and 0.00001; ExAC 0.00001; gnomAD 0.00001.
gnomAD v4.1: 16 of 1,613,984 alleles (0.00099%); highest among the groups gnomAD compares: Admixed American, 0.005%; no homozygotes.

Submissions (4):

Labcorp Genetics (formerly Invitae), Labcorp
Classification: Likely benign for Marfan syndrome; Familial thoracic aortic aneurysm and aortic dissection. Last evaluated: 2025-10-27. Review status: criteria provided, single submitter. Criteria: Invitae Variant Classification Sherloc (09022015). Collection method: clinical testing. Allele origin: germline.

All of Us Research Program, National Institutes of Health
Classification: Likely benign for Marfan syndrome. Last evaluated: 2024-07-29. Review status: criteria provided, single submitter. Criteria: ACMG Guidelines, 2015. Collection method: clinical testing. Allele origin: germline. Inheritance: Autosomal dominant inheritance. Observed: 2 variant alleles, 2 heterozygotes.
Comment: This study involves interpretation of variants in research participants for the purpose of population health screening. Participant phenotype was not available at the time of variant classification. Additional details can be found in publication PMID: 35346344, PMCID: PMC8962531

Women's Health and Genetics/Laboratory Corporation of America, LabCorp
Classification: Likely benign. Last evaluated: 2019-07-12. Review status: criteria provided, single submitter. Criteria: LabCorp Variant Classification Summary - May 2015. Collection method: clinical testing. Allele origin: germline.

Ambry Genetics
Classification: Likely benign for Familial thoracic aortic aneurysm and aortic dissection. Last evaluated: 2018-04-24. Review status: criteria provided, single submitter. Criteria: Ambry Variant Classification Scheme 2023. Collection method: clinical testing. Allele origin: germline.

NM_000138.5(FBN1):c.6969C>T (p.Thr2323=)

Gene: FBN1 (fibrillin 1; minus strand). Cytogenetic location: 15q21.1.
Variant type: single nucleotide variant.
Coding change: c.6969C>T on transcript NM_000138.5 (MANE Select); coding-DNA position 6969, C replaced by T.
Protein change: p.Thr2323=; no amino-acid change (threonine 2323 retained).
Molecular consequence: synonymous variant.
Genome position (GRCh38, 1-based): chr15:48,428,374, G>A on the plus strand (C>T on the coding strand, the complement: FBN1 is on the minus strand). VCF-style: chr15-48428374-G-A. GRCh37 (hg19) VCF-style: chr15-48720571-G-A.
Identifiers: ClinVar variation 703065 (VCV000703065.12), dbSNP rs773655866, ClinGen allele CA057626.
Genomic context (GRCh38, chr15:48,428,374, plus strand): 5'-GGTTAGGAAAGTGCGGTGCCAACTGTACTCACCAAGGCACTCGTCCTGGTTGGGGCTGGC[G>A]GTAAACCCATCATTACACTCACAGGTGTAGCTCCCACGGGTGTTGAGGCAGCGCCCATTC-3'
Protein context (NP_000129.3, residues 2313-2333): SYTCECNDGF[Thr2323=]ASPNQDECLD